The following is an entry in ClinVar:

NM_000059.4(BRCA2):c.6197T>C (p.Val2066Ala)

Gene: BRCA2 (BRCA2 DNA repair associated; plus strand). Cytogenetic location: 13q13.1.
Variant type: single nucleotide variant.
Coding change: c.6197T>C on transcript NM_000059.4 (MANE Select); coding-DNA position 6197, T replaced by C.
Protein change: p.Val2066Ala; replaces valine 2066 with alanine.
Molecular consequence: missense variant.
Genome position (GRCh38, 1-based): chr13:32,340,552, T>C. VCF-style: chr13-32340552-T-C. GRCh37 (hg19) VCF-style: chr13-32914689-T-C.
Other names: short protein forms V2066A.
Identifiers: ClinVar variation 1494995 (VCV001494995.10), dbSNP rs2137525153, ClinGen allele CA387788829.

ClinVar aggregate classification (germline): Conflicting classifications of pathogenicity. Review status: criteria provided, conflicting classifications (1 of 4 stars). 2 submissions from 2 submitters: Uncertain significance (1); Likely benign (1). Last evaluated 2023-09-18.

Conditions:
Hereditary cancer-predisposing syndrome. Also called: Tumor predisposition; Hereditary neoplastic syndrome; Neoplastic Syndromes, Hereditary; Hereditary Cancer Syndrome. Identifiers: Orphanet 140162, MedGen C0027672, MeSH D009386, MONDO:0015356.
Hereditary breast ovarian cancer syndrome. Also called: Hereditary breast and ovarian cancer; Hereditary breast and ovarian cancer syndrome; Hereditary breast and/or ovarian cancer syndrome; Hereditary breast and ovarian cancer syndrome (HBOC); Breast and ovarian cancer; BRCA1- and BRCA2-Associated Hereditary Breast and Ovarian Cancer. Identifiers: Orphanet 145, MedGen C0677776, MeSH D061325, MONDO:0003582. Disease mechanism: loss of function.

Submissions (2):

Labcorp Genetics (formerly Invitae), Labcorp
Classification: Uncertain significance for Hereditary breast ovarian cancer syndrome. Last evaluated: 2023-09-18. Review status: criteria provided, single submitter. Criteria: Invitae Variant Classification Sherloc (09022015). Collection method: clinical testing. Allele origin: germline.
Comment: Advanced modeling of protein sequence and biophysical properties (such as structural, functional, and spatial information, amino acid conservation, physicochemical variation, residue mobility, and thermodynamic stability) performed at Invitae indicates that this missense variant is not expected to disrupt BRCA2 protein function. In summary, the available evidence is currently insufficient to determine the role of this variant in disease. Therefore, it has been classified as a Variant of Uncertain Significance. ClinVar contains an entry for this variant (Variation ID: 1494995). This variant has not been reported in the literature in individuals affected with BRCA2-related conditions. This variant is not present in population databases (gnomAD no frequency). This sequence change replaces valine, which is neutral and non-polar, with alanine, which is neutral and non-polar, at codon 2066 of the BRCA2 protein (p.Val2066Ala).

University of Washington Department of Laboratory Medicine, University of Washington
Classification: Likely benign for Hereditary cancer-predisposing syndrome. Last evaluated: 2023-03-23. Review status: criteria provided, single submitter. Criteria: Dines et al. (Genet Med. 2020). Collection method: curation. Allele origin: germline.
Comment: Missense variant in a coldspot region where missense variants are very unlikely to be pathogenic (PMID:31911673).

BRCA2 exon 11 coldspot. Reclassification based on statistical prior probability.